The following is an entry in ClinVar:

NM_001365536.1(SCN9A):c.5882T>C (p.Val1961Ala)

Genes: SCN1A-AS1 (SCN1A and SCN9A antisense RNA 1; plus strand), SCN9A (sodium voltage-gated channel alpha subunit 9; minus strand). Cytogenetic location: 2q24.3.
Variant type: single nucleotide variant.
Coding change: c.5882T>C on transcript NM_001365536.1 (MANE Select); coding-DNA position 5882, T replaced by C.
Protein change: p.Val1961Ala; replaces valine 1961 with alanine.
Molecular consequence: missense variant.
Genome position (GRCh38, 1-based): chr2:166,198,757, A>G on the plus strand (T>C on the coding strand, the complement: SCN9A is on the minus strand). VCF-style: chr2-166198757-A-G. GRCh37 (hg19) VCF-style: chr2-167055267-A-G.
Other names: c.5849T>C, p.Val1950Ala (NM_002977.4); short protein forms V1950A, V1961A.
Identifiers: ClinVar variation 3753677 (VCV003753677.2).

ClinVar aggregate classification (germline): Uncertain significance (1 of 4 stars; one submission).

Conditions:
Neuropathy, hereditary sensory and autonomic, type 2A (HSAN2A). Also called: ACROOSTEOLYSIS, GIACCAI TYPE; ACROOSTEOLYSIS, NEUROGENIC; WNK1-Related HSAN2 (HSAN2A); MORVAN DISEASE; NEUROPATHY, CONGENITAL SENSORY; NEUROPATHY, HEREDITARY SENSORY RADICULAR, AUTOSOMAL RECESSIVE. Identifiers: Orphanet 970, MedGen C2752089, MONDO:0024309, OMIM 201300.
Generalized epilepsy with febrile seizures plus, type 7 (GEFSP7). Also called: GEFS+, TYPE 7. Identifiers: Orphanet 36387, MedGen C2751778, MONDO:0013470, OMIM 613863.

gnomAD v4.1: 1 of 1,613,404 alleles (0.000062%); highest among the groups gnomAD compares: Non-Finnish European, 0.000085%; no homozygotes.

Submission:

Labcorp Genetics (formerly Invitae), Labcorp
Classification: Uncertain significance for Neuropathy, hereditary sensory and autonomic, type 2A; Generalized epilepsy with febrile seizures plus, type 7. Last evaluated: 2025-05-27. Review status: criteria provided, single submitter. Criteria: Invitae Variant Classification Sherloc (09022015). Collection method: clinical testing. Allele origin: germline.
Comment: This sequence change replaces valine, which is neutral and non-polar, with alanine, which is neutral and non-polar, at codon 1950 of the SCN9A protein (p.Val1950Ala). This variant is not present in population databases (gnomAD no frequency). This variant has not been reported in the literature in individuals affected with SCN9A-related conditions. ClinVar contains an entry for this variant (Variation ID: 3753677). Invitae Evidence Modeling of protein sequence and biophysical properties (such as structural, functional, and spatial information, amino acid conservation, physicochemical variation, residue mobility, and thermodynamic stability) has been performed for this missense variant. However, the output from this modeling did not meet the statistical confidence thresholds required to predict the impact of this variant on SCN9A protein function. In summary, the available evidence is currently insufficient to determine the role of this variant in disease. Therefore, it has been classified as a Variant of Uncertain Significance.